The following is an entry in ClinVar:

NM_177438.3(DICER1):c.712del (p.Thr238fs)

Gene: DICER1 (dicer 1, ribonuclease III; minus strand). Cytogenetic location: 14q32.13.
Variant type: Deletion.
Coding change: c.712del on transcript NM_177438.3 (MANE Select); coding-DNA position 712, one base deleted (A; older notation c.712delA).
Protein change: p.Thr238fs; shifts the reading frame from threonine 238.
Molecular consequence: frameshift variant. On other transcripts: 5 prime UTR variant (1), non-coding transcript variant (6).
Genome position (GRCh38, 1-based): chr14:95,129,494, T deleted on the plus strand (A on the coding strand, the reverse complement: DICER1 is on the minus strand); the first of 2 consecutive T bases (chr14:95,129,494-95,129,495); deleting either gives the same sequence. VCF-style (leftmost placement, unchanged base first): chr14-95129493-GT-G. GRCh37 (hg19) VCF-style: chr14-95595830-GT-G.
Other names: c.712del, p.Thr238fs (NM_001195573.1, NM_001271282.3, NM_001291628.2 and 14 more transcripts); c.430del, p.Thr144fs (NM_001395686.1); c.307del, p.Thr103fs (NM_001395687.1, NM_001395688.1, NM_001395689.1 and 3 more transcripts); c.145del, p.Thr49fs (NM_001395691.1); c.-857del (NM_001395697.1); short protein forms T103fs, T144fs, T238fs, T49fs.
Identifiers: ClinVar variation 1698845 (VCV001698845.2), dbSNP rs2140259982, ClinGen allele CA1298200832.

ClinVar aggregate classification (germline): Pathogenic (1 of 4 stars; one submission).

Conditions:
Euthyroid goiter (MNG1). Also called: GOITER, NONTOXIC, WITH INTRATHYROIDAL CALCIFICATION; MULTINODULAR GOITER, ADOLESCENT; SIMPLE GOITER; Goiter, multinodular 1, with or without Sertoli-Leydig cell tumors. Identifiers: Orphanet 276399, MedGen C0302859, MONDO:0007681, OMIM 138800, HP:0009798.

Submission:

Genetics and Molecular Pathology, SA Pathology
Classification: Pathogenic for Euthyroid goiter. Last evaluated: 2021-06-30. Review status: criteria provided, single submitter. Criteria: ACMG Guidelines, 2015. Collection method: clinical testing. Allele origin: germline. Inheritance: Autosomal dominant inheritance. Affected: yes.
Comment: The DICER1 c.712delA variant is classified as Pathogenic (PVS1, PM2, PP4) he gene DICER1 c.712delA variant is located in exon 6/27 and is predicted to cause a shift in the reading frame at codon 238, introducing a premature termination codon (PVS1). This variant is absent from population databases (PM2). The clinical features of this case are highly specific for the DICER1, the family history is consistent with the mode of inheritance of this condition and this patient has a well-defined syndrome with little overlap with other clinical presentations (PP4). The variant has been reported in the HGMD database: not present. It has not been reported in dbSNP or ClinVar.